The following is an entry in ClinVar:

NM_005629.4(SLC6A8):c.644+20G>A

Gene: SLC6A8 (solute carrier family 6 member 8; plus strand). Cytogenetic location: Xq28.
Variant type: single nucleotide variant.
Coding change: c.644+20G>A on transcript NM_005629.4 (MANE Select); 20 bases into the intron after coding-DNA position 644, G replaced by A.
Molecular consequence: intron variant.
Genome position (GRCh38, 1-based): chrX:153,691,573, G>A. VCF-style: chrX-153691573-G-A. GRCh37 (hg19) VCF-style: chrX-152957028-G-A.
Other names: c.644+20G>A (NM_001142805.2); c.299+20G>A (NM_001142806.1).
Identifiers: ClinVar variation 387064 (VCV000387064.8), dbSNP rs782635587, ClinGen allele CA10549218.

ClinVar aggregate classification (germline): Benign/Likely benign. Review status: criteria provided, multiple submitters, no conflicts (2 of 4 stars). 2 submissions from 2 submitters: Benign (1); Likely benign (1). Last evaluated 2024-06-15.

Conditions:
Creatine transporter deficiency (CCDS1). Also called: SLC6A8-Related Creatine Transporter Deficiency; CREATINE TRANSPORTER DEFECT; CEREBRAL CREATINE DEFICIENCY SYNDROME 1; Mental retardation , X-linked with seizures, short stature and midface hypoplasia; Mental retardation , X-linked, with creatine transport deficiency; X-linked creatine transporter deficiency. Identifiers: Orphanet 52503, MedGen C1845862, MONDO:0010305, OMIM 300352.

Allele frequency attached by ClinVar (database versions not stated): gnomAD 0.00001 and 0.00002; TOPMed 0.00002; gnomAD exomes 0.00006 and 0.00015; ExAC 0.00017.
gnomAD v4.1: 65 of 1,209,360 alleles (0.0054%); highest among the groups gnomAD compares: South Asian, 0.1%; no homozygotes.

Submissions (2):

Labcorp Genetics (formerly Invitae), Labcorp
Classification: Benign for Creatine transporter deficiency. Last evaluated: 2024-06-15. Review status: criteria provided, single submitter. Criteria: Invitae Variant Classification Sherloc (09022015). Collection method: clinical testing. Allele origin: germline.

GeneDx
Classification: Likely benign. Last evaluated: 2016-07-20. Review status: criteria provided, single submitter. Criteria: GeneDx Variant Classification (06012015). Collection method: clinical testing. Allele origin: germline. Affected: yes.
Comment: This variant is considered likely benign or benign based on one or more of the following criteria: it is a conservative change, it occurs at a poorly conserved position in the protein, it is predicted to be benign by multiple in silico algorithms, and/or has population frequency not consistent with disease.